The following is an entry in ClinVar:

ClinVar aggregate classification (germline): Pathogenic/Likely pathogenic. Review status: criteria provided, multiple submitters, no conflicts (2 of 4 stars). 10 submissions from 10 submitters: Pathogenic (9); Likely pathogenic (1). Last evaluated 2026-09-14.

Conditions:
MYH7-related disorder. Also called: MYH7-related disorders; MYH7-related condition; MYH7-related disease.
Cardiovascular phenotype. Identifiers: MedGen CN230736.
Cardiomyopathy (CMYO). Also called: Cardiomyopathies. Identifiers: Orphanet 167848, MedGen C0878544, MONDO:0004994, HP:0001638. Inheritance: Various modes of inheritance.
Hypertrophic cardiomyopathy 1 (CMH1). Also called: Familial hypertrophic cardiomyopathy 1; MYH7-Related Familial Hypertrophic Cardiomyopathy. Identifiers: MedGen C3495498, MONDO:0008647, OMIM 192600.
Hypertrophic cardiomyopathy. Also called: HYPERTROPHIC MYOCARDIOPATHY. Identifiers: Orphanet 217569, MedGen C0007194, MeSH D002312, MONDO:0005045, HP:0001639.

Allele frequency attached by ClinVar (database versions not stated): gnomAD 0.00003; TOPMed 0.00001.

Submissions (10):

Molecular Diagnostic Laboratory for Inherited Cardiovascular Disease, Montreal Heart Institute
Classification: Pathogenic for Cardiovascular phenotype. Last evaluated: 2026-09-14. Review status: criteria provided, single submitter. Criteria: ACMG Guidelines, 2015. Collection method: clinical testing. Allele origin: germline. Affected: yes.

Institute of Human Genetics, University of Leipzig Medical Center
Classification: Pathogenic for Hypertrophic cardiomyopathy 1. Last evaluated: 2026-04-23. Review status: criteria provided, single submitter. Criteria: ACMG Guidelines, 2015. Collection method: clinical testing. Allele origin: unknown. Inheritance: Autosomal dominant inheritance. Affected: yes.
Comment: Criteria applied: PS1,PS4,PM1,PM5,PM2_SUP,PP3

Labcorp Genetics (formerly Invitae), Labcorp
Classification: Pathogenic for Hypertrophic cardiomyopathy. Last evaluated: 2026-02-03. Review status: criteria provided, single submitter. Criteria: Invitae Variant Classification Sherloc (09022015). Collection method: clinical testing. Allele origin: germline.
Comment: This sequence change replaces glycine, which is neutral and non-polar, with arginine, which is basic and polar, at codon 741 of the MYH7 protein (p.Gly741Arg). This variant is present in population databases (rs121913632, gnomAD 0.007%). This missense change has been observed in individuals with hypertrophic cardiomyopathy (PMID: 8483915, 12707239, 20800588, 24111713, 25935763). ClinVar contains an entry for this variant (Variation ID: 42890). Invitae Evidence Modeling of protein sequence and biophysical properties (such as structural, functional, and spatial information, amino acid conservation, physicochemical variation, residue mobility, and thermodynamic stability) indicates that this missense variant is expected to disrupt MYH7 protein function with a positive predictive value of 95%. This variant disrupts the p.Gly741 amino acid residue in MYH7. Other variant(s) that disrupt this residue have been determined to be pathogenic (PMID: 8533830, 15856146, 22112859, 26914223). This suggests that this residue is clinically significant, and that variants that disrupt this residue are likely to be disease-causing. For these reasons, this variant has been classified as Pathogenic.

Centre of Medical Genetics, University Hospital Muenster
Classification: Pathogenic. Last evaluated: 2025-05-15. Review status: criteria provided, single submitter. Criteria: ACMG Guidelines, 2015. Collection method: clinical testing. Allele origin: unknown. Affected: yes. Observed: 1 variant allele, 1 heterozygote.
Comment: ACMG categories: PS1,PS3_sup,PS4,PM2_sup,PM5,PP3

Ambry Genetics
Classification: Pathogenic for Cardiovascular phenotype. Last evaluated: 2025-03-20. Review status: criteria provided, single submitter. Criteria: Ambry Variant Classification Scheme 2023. Collection method: clinical testing. Allele origin: germline.
Comment: The p.G741R pathogenic mutation (also known as c.2221G>A), located in coding exon 18 of the MYH7 gene, results from a G to A substitution at nucleotide position 2221. The glycine at codon 741 is replaced by arginine, an amino acid with dissimilar properties. This alteration is located in the myosin head domain, which contains a statistically significant clustering of pathogenic missense variants (Homburger JR et al. Proc Natl Acad Sci U S A, 2016 06;113:6701-6; Walsh R et al. Genet Med, 2017 02;19:192-203; Ambry internal data). This variant, and a different nucleotide substitution resulting in the same amino acid change (c.2221G>C), have been identified in one or more individuals with features consistent with hypertrophic cardiomyopathy and segregated with disease in at least one family (Fananapazir L, Proc. Natl. Acad. Sci. U.S.A. 1993 May; 90(9):3993-7; Richard P, Circulation 2003 May; 107(17):2227-32; Van Driest SL, J. Am. Coll. Cardiol. 2004 Aug; 44(3):602-10.; Song L, Clin. Chim. Acta 2005 Jan; 351(1-2):209-16; Kindel SJ, J. Card. Fail. 2012 May; 18(5):396-403; Marsiglia JD, Am. Heart J. 2013 Oct; 166(4):775-82; Berge KE, Clin. Genet. 2014 Oct; 86(4):355-60; Montag J et al. J. Muscle Res. Cell. Motil. 2017 Aug;38(3-4):291-302). This amino acid position is well conserved in available vertebrate species. In addition, this alteration is predicted to be deleterious by in silico analysis. Based on the supporting evidence, this alteration is interpreted as a disease-causing mutation.

PreventionGenetics, part of Exact Sciences
Classification: Pathogenic for MYH7-related condition. Last evaluated: 2022-11-22. Review status: criteria provided, single submitter. Criteria: ACMG Guidelines, 2015. Collection method: clinical testing. Allele origin: germline.
Comment: The MYH7 c.2221G>A variant is predicted to result in the amino acid substitution p.Gly741Arg. This variant was reported in numerous individuals with hypertrophic cardiomyopathy (Fananapazir et al. 1993. PubMed ID: 8483915; Table S1, Captur et al. 2014. PubMed ID: 24704860; Table S1A, Walsh et al. 2017. PubMed ID: 27532257; Filatova et al. 2021. PubMed ID: 34598319). Functional studies in patient-derived muscle fibers showed that the p.Gly741Arg substitution could alter the contractile properties of the mutant protein (Lankford and Fananapazir. 1995. PubMed ID: 7883988). This variant is reported in 0.0065% of alleles in individuals of European (Non-Finnish) descent in gnomAD. Other different nucleotide substitutions affecting the same amino acid (p.Gly741Trp and p.Gly741Ala) have been reported in individuals with hypertrophic cardiomyopathy (Arai et al. 1995. PubMed ID: 8533830; Van Driest et al. 2004. PubMed ID: 15358028). The c.2221G>A (p.Gly741Arg) variant is interpreted as pathogenic.

CHEO Genetics Diagnostic Laboratory, Children's Hospital of Eastern Ontario
Classification: Pathogenic for Cardiomyopathy. Last evaluated: 2022-04-07. Review status: criteria provided, single submitter. Criteria: ACMG Guidelines, 2015. Collection method: clinical testing. Allele origin: germline.

GeneDx
Classification: Pathogenic. Last evaluated: 2021-11-23. Review status: criteria provided, single submitter. Criteria: GeneDx Variant Classification Process June 2021. Collection method: clinical testing. Allele origin: germline. Affected: yes.
Comment: Reported in several other individuals with HCM; however, the nucleotide change was not specified (Malinchik et al., 1997; Van Driest et al., 2004; Kaski et al., 2009; Theis et al., 2009; Kindel et al., 2012; Marsiglia et al., 2013; Miller et al., 2013; Berge et al., 2014); Not observed at a significant frequency in large population cohorts (gnomAD); In silico analysis, which includes protein predictors and evolutionary conservation, supports a deleterious effect; Reported as pathogenic/likely pathogenic in ClinVar but additional evidence is not available (ClinVar Variant ID#42890; ClinVar); This variant is associated with the following publications: (PMID: 15358028, 7731997, 22555271, 21216834, 9742053, 20031618, 19808356, 12707239, 25935763, 24093860, 9140824, 8483915, 15563892, 26743238, 28246639, 27247418, 27532257, 29101517, 24111713, 29343710, 23054336, 24704860)

Stanford Center for Inherited Cardiovascular Disease, Stanford University
Classification: Pathogenic. Last evaluated: 2014-07-15. Review status: criteria provided, single submitter. Criteria: ACMG Guidelines, 2015. Collection method: provider interpretation. Allele origin: germline.

Laboratory for Molecular Medicine, Mass General Brigham Personalized Medicine
Classification: Likely pathogenic for Hypertrophic cardiomyopathy. Last evaluated: 2014-04-22. Review status: criteria provided, single submitter. Criteria: LMM Criteria. Collection method: clinical testing. Allele origin: germline. Inheritance: Autosomal dominant inheritance. Observed: 5 variant alleles.
Comment: proposed classification - variant undergoing re-assessment, contact laboratory

Literature cited by the submitters: PubMed 8483915 (cited by 3 submitters); PubMed 12707239 (cited by 3 submitters); PubMed 20800588 (cited by Labcorp Genetics (formerly Invitae), Labcorp); PubMed 24111713 (cited by Labcorp Genetics (formerly Invitae), Labcorp and Ambry Genetics); PubMed 25935763 (cited by Labcorp Genetics (formerly Invitae), Labcorp); PubMed 8533830 (cited by Labcorp Genetics (formerly Invitae), Labcorp); PubMed 15856146 (cited by Labcorp Genetics (formerly Invitae), Labcorp); PubMed 22112859 (cited by Labcorp Genetics (formerly Invitae), Labcorp); PubMed 26914223 (cited by Labcorp Genetics (formerly Invitae), Labcorp); PubMed 15358028 (cited by Ambry Genetics and Laboratory for Molecular Medicine, Mass General Brigham Personalized Medicine); PubMed 15563892 (cited by Ambry Genetics and Laboratory for Molecular Medicine, Mass General Brigham Personalized Medicine); PubMed 22555271 (cited by Ambry Genetics); PubMed 24093860 (cited by Ambry Genetics); PubMed 29300372 (cited by Ambry Genetics); PubMed 7731997 (cited by Ambry Genetics and Laboratory for Molecular Medicine, Mass General Brigham Personalized Medicine); PubMed 9140824 (cited by Ambry Genetics and Laboratory for Molecular Medicine, Mass General Brigham Personalized Medicine); PubMed 20031618 (cited by Laboratory for Molecular Medicine, Mass General Brigham Personalized Medicine).

NM_000257.4(MYH7):c.2221G>A (p.Gly741Arg)

Gene: MYH7 (myosin heavy chain 7; minus strand). Cytogenetic location: 14q11.2.
Variant type: single nucleotide variant.
Coding change: c.2221G>A on transcript NM_000257.4 (MANE Select); coding-DNA position 2221, G replaced by A.
Protein change: p.Gly741Arg; replaces glycine 741 with arginine.
Molecular consequence: missense variant.
Genome position (GRCh38, 1-based): chr14:23,425,760, C>T on the plus strand (G>A on the coding strand, the complement: MYH7 is on the minus strand). VCF-style: chr14-23425760-C-T. GRCh37 (hg19) VCF-style: chr14-23894969-C-T.
Other names: p.G741R:GGG>AGG; short protein forms G741R.
Identifiers: ClinVar variation 42890 (VCV000042890.29), dbSNP rs121913632, ClinGen allele CA012004.